The following is an entry in ClinVar:

ClinVar aggregate classification (germline): Uncertain significance (1 of 4 stars; one submission).

Allele frequency attached by ClinVar (database versions not stated): gnomAD exomes 0.00001; ExAC 0.00002.
gnomAD v4.1: 4 of 1,613,066 alleles (0.00025%); highest among the groups gnomAD compares: South Asian, 0.0011%; no homozygotes.

Submission:

Labcorp Genetics (formerly Invitae), Labcorp
Classification: Uncertain significance. Last evaluated: 2020-12-13. Review status: criteria provided, single submitter. Criteria: Invitae Variant Classification Sherloc (09022015). Collection method: clinical testing. Allele origin: germline.
Comment: Algorithms developed to predict the effect of missense changes on protein structure and function (SIFT, PolyPhen-2, Align-GVGD) all suggest that this variant is likely to be tolerated, but these predictions have not been confirmed by published functional studies and their clinical significance is uncertain. In summary, the available evidence is currently insufficient to determine the role of this variant in disease. Therefore, it has been classified as a Variant of Uncertain Significance. This variant has not been reported in the literature in individuals with ARPC1B-related conditions. This variant is present in population databases (rs773592663, ExAC 0.02%). This sequence change replaces serine with leucine at codon 333 of the ARPC1B protein (p.Ser333Leu). The serine residue is moderately conserved and there is a large physicochemical difference between serine and leucine.

NM_005720.4(ARPC1B):c.998C>T (p.Ser333Leu)

Gene: ARPC1B (actin related protein 2/3 complex subunit 1B; plus strand). Cytogenetic location: 7q22.1.
Variant type: single nucleotide variant.
Coding change: c.998C>T on transcript NM_005720.4 (MANE Select); coding-DNA position 998, C replaced by T.
Protein change: p.Ser333Leu; replaces serine 333 with leucine.
Molecular consequence: missense variant.
Genome position (GRCh38, 1-based): chr7:99,394,037, C>T. VCF-style: chr7-99394037-C-T. GRCh37 (hg19) VCF-style: chr7-98991660-C-T.
Other names: short protein forms S333L.
Identifiers: ClinVar variation 1508009 (VCV001508009.8), dbSNP rs773592663, ClinGen allele CA4364181.
Genomic context (GRCh38, chr7:99,394,037, plus strand): 5'-GAGCCCAGCGCCAGCACAGGTTGAATTCATAAGCTCCTCTTCCTCTTTGCAGCCAGATCT[C>T]GGTGCTCAGCGGCGGCAAGGCCAAGTGCTCGCAGTTCTGCACCACTGGCATGGATGGCGG-3'
Protein context (NP_005711.1, residues 323-343): SLHKNSVSQI[Ser333Leu]VLSGGKAKCS